The following is an entry in ClinVar:

ClinVar aggregate classification (germline): Uncertain significance. Review status: criteria provided, multiple submitters, no conflicts (2 of 4 stars). 2 submissions from 2 submitters: Uncertain significance (2). Last evaluated 2022-06-23.

Conditions:
Inborn genetic diseases. Identifiers: MedGen C0950123, MeSH D030342.

Allele frequency attached by ClinVar (database versions not stated): gnomAD exomes below 0.00001 and 0.00001.
gnomAD v4.1: 3 of 1,199,476 alleles (0.00025%); highest among the groups gnomAD compares: Non-Finnish European, 0.00034%; no homozygotes.

Submissions (2):

GeneDx
Classification: Uncertain significance. Last evaluated: 2022-06-23. Review status: criteria provided, single submitter. Criteria: GeneDx Variant Classification Process June 2021. Collection method: clinical testing. Allele origin: germline. Affected: yes.
Comment: Not observed at significant frequency in large population cohorts (gnomAD); In silico analysis supports that this missense variant does not alter protein structure/function; Has not been previously published as pathogenic or benign to our knowledge

Ambry Genetics
Classification: Uncertain significance for Inborn genetic diseases. Last evaluated: 2016-12-09. Review status: criteria provided, single submitter. Criteria: Ambry Variant Classification Scheme 2023. Collection method: clinical testing. Allele origin: germline.
Comment: The p.I672V variant (also known as c.2014A>G), located in coding exon 21 of the CASK gene, results from an A to G substitution at nucleotide position 2014. The isoleucine at codon 672 is replaced by valine, an amino acid with highly similar properties. This variant has been detected in conjunction with a pathogenic mutation in GABRB3 by our laboratory. This amino acid position is highly conserved in available vertebrate species. In addition, this alteration is predicted to be tolerated by in silico analysis. Since supporting evidence is limited at this time, the clinical significance of this variant remains unclear.

NM_001367721.1(CASK):c.2014A>G (p.Ile672Val)

Gene: CASK (calcium/calmodulin dependent serine protein kinase; minus strand). Cytogenetic location: Xp11.4.
Variant type: single nucleotide variant.
Coding change: c.2014A>G on transcript NM_001367721.1 (MANE Select); coding-DNA position 2014, A replaced by G.
Protein change: p.Ile672Val; replaces isoleucine 672 with valine.
Molecular consequence: missense variant.
Genome position (GRCh38, 1-based): chrX:41,553,744, T>C on the plus strand (A>G on the coding strand, the complement: CASK is on the minus strand). VCF-style: chrX-41553744-T-C. GRCh37 (hg19) VCF-style: chrX-41412997-T-C.
Other names: c.1945A>G, p.Ile649Val (NM_001126054.3); c.1927A>G, p.Ile643Val (NM_001126055.3); c.1996A>G, p.Ile666Val (NM_001410745.1); c.2014A>G, p.Ile672Val (NM_003688.4); short protein forms I672V, I643V, I649V, I666V.
Identifiers: ClinVar variation 588519 (VCV000588519.7), dbSNP rs1168108458, ClinGen allele CA412992642.